The following is an entry in ClinVar:

NM_006642.5(SDCCAG8):c.2074C>G (p.Gln692Glu)

Genes: AKT3 (AKT serine/threonine kinase 3; minus strand), SDCCAG8 (SHH signaling and ciliogenesis regulator SDCCAG8; plus strand). Cytogenetic location: 1q43.
Variant type: single nucleotide variant.
Coding change: c.2074C>G on transcript NM_006642.5 (MANE Select); coding-DNA position 2074, C replaced by G.
Protein change: p.Gln692Glu; replaces glutamine 692 with glutamic acid.
Molecular consequence: missense variant. On other transcripts: intron variant (1).
Genome position (GRCh38, 1-based): chr1:243,489,102, C>G. VCF-style: chr1-243489102-C-G. GRCh37 (hg19) VCF-style: chr1-243652404-C-G.
Other names: c.1171C>G, p.Gln391Glu (NM_001350246.2, NM_001350247.2, NM_001350251.2); c.2170C>G, p.Gln724Glu (NM_001350248.2); c.1780C>G, p.Gln594Glu (NM_001350249.2); c.*7-652G>C (NM_181690.2); short protein forms Q692E, Q391E, Q724E, Q594E.
Identifiers: ClinVar variation 4995646 (VCV004995646.1).

ClinVar aggregate classification (germline): Uncertain significance (1 of 4 stars; one submission).

Conditions:
SDCCAG8-related disorder. Also called: SDCCAG8-Related Disorders; SDCCAG8-related condition.

gnomAD v4.1: 2 of 1,613,178 alleles (0.00012%); highest among the groups gnomAD compares: African/African-American, 0.0013%; no homozygotes.

Submission:

PreventionGenetics, part of Exact Sciences
Classification: Uncertain significance for SDCCAG8-related condition. Last evaluated: 2025-12-16. Review status: criteria provided, single submitter. Criteria: ACMG Guidelines, 2015. Collection method: clinical testing. Allele origin: germline.
Comment: The SDCCAG8 c.2074C>G variant is predicted to result in the amino acid substitution p.Gln692Glu. To our knowledge, this variant has not been reported in the literature or in a large population database (gnomAD), indicating this variant is rare. At this time, the clinical significance of this variant is uncertain due to the absence of conclusive functional and genetic evidence.